The following is an entry in ClinVar:

ClinVar aggregate classification (germline): Pathogenic. Review status: criteria provided, multiple submitters, no conflicts (2 of 4 stars). 3 submissions from 3 submitters: Pathogenic (2). 1 of the submissions does not count toward it. Last evaluated 2023-02-10.

Conditions:
Marshall-Smith syndrome (MRSHSS). Identifiers: Orphanet 561, MedGen C0265211, MONDO:0011244, OMIM 602535.

Submissions (3):

Laboratorio de Genetica e Diagnostico Molecular, Hospital Israelita Albert Einstein
Classification: Pathogenic for Marshall-Smith syndrome. Last evaluated: 2023-02-10. Review status: criteria provided, single submitter. Criteria: ACMG Guidelines, 2015. Collection method: clinical testing. Allele origin: germline. Affected: yes. Observed: 1 variant allele.
Comment: ACMG classification criteria: PVS1 very strong, PS4 supporting, PM2 moderated, PM6 moderated

GeneDx
Classification: Pathogenic. Last evaluated: 2022-06-13. Review status: criteria provided, single submitter. Criteria: GeneDx Variant Classification Process June 2021. Collection method: clinical testing. Allele origin: germline. Affected: yes.
Comment: Also known as c.955+1G>T; Canonical splice site variant predicted to result in a null allele in a gene for which loss of function is a known mechanism of disease; Not observed at significant frequency in large population cohorts (gnomAD); This variant is associated with the following publications: (PMID: 25525159, 20673863)

OMIM
Classification: Pathogenic for MARSHALL-SMITH SYNDROME. Last evaluated: 2010-08-13. Review status: no assertion criteria provided. Collection method: literature only. Allele origin: germline. Not counted in ClinVar's aggregate classification.

Literature cited by the submitters: PubMed 20673863 (cited by OMIM); PubMed 26200704 (cited by OMIM).

NM_001365902.3(NFIX):c.955+1G>T

Gene: NFIX (nuclear factor I X; plus strand). Cytogenetic location: 19p13.13.
Variant type: single nucleotide variant.
Coding change: c.955+1G>T on transcript NM_001365902.3 (MANE Select); the canonical splice donor site of the intron after coding-DNA position 955, G replaced by T.
Molecular consequence: splice donor variant.
Genome position (GRCh38, 1-based): chr19:13,075,672, G>T. VCF-style: chr19-13075672-G-T. GRCh37 (hg19) VCF-style: chr19-13186486-G-T.
Other names: IVS6DS, G-T, +1; c.955+1G>T (NM_002501.4, NM_001365982.2); c.931+1G>T (NM_001378404.1, NM_001271044.3); c.1003+1G>T (NM_001378405.1); c.814+1G>T (NM_001365983.2); c.979+1G>T (NM_001271043.2); c.952+1G>T (NM_001365984.2, NM_001365985.2).
Identifiers: ClinVar variation 36965 (VCV000036965.4), dbSNP rs398122876, ClinGen allele CA130004.